The following is an entry in ClinVar:

NM_000254.3(MTR):c.2971C>T (p.Arg991Ter)

Gene: MTR (5-methyltetrahydrofolate-homocysteine methyltransferase; plus strand). Cytogenetic location: 1q43.
Variant type: single nucleotide variant.
Coding change: c.2971C>T on transcript NM_000254.3 (MANE Select); coding-DNA position 2971, C replaced by T.
Protein change: p.Arg991Ter; replaces arginine 991 with a stop codon.
Molecular consequence: nonsense.
Genome position (GRCh38, 1-based): chr1:236,889,300, C>T. VCF-style: chr1-236889300-C-T. GRCh37 (hg19) VCF-style: chr1-237052600-C-T.
Other names: c.2818C>T, p.Arg940Ter (NM_001291939.1); c.1750C>T, p.Arg584Ter (NM_001291940.2); short protein forms R991*, R584*, R940*.
Identifiers: ClinVar variation 632103 (VCV000632103.7), dbSNP rs536238004, ClinGen allele CA1474569.

ClinVar aggregate classification (germline): Pathogenic (1 of 4 stars; one submission).

Conditions:
Methylcobalamin deficiency type cblG (HMAG). Also called: HOMOCYSTINURIA-MEGALOBLASTIC ANEMIA, cblG TYPE; Functional methionine synthase deficiency type cblG; HOMOCYSTINURIA-MEGALOBLASTIC ANEMIA DUE TO DEFECT IN COBALAMIN METABOLISM, cblG COMPLEMENTATION TYPE; HOMOCYSTINURIA-MEGALOBLASTIC ANEMIA, cblG COMPLEMENTATION TYPE. Identifiers: Orphanet 2170, Orphanet 622, MedGen C1855128, MONDO:0009609, OMIM 250940.

Allele frequency attached by ClinVar (database versions not stated): ExAC 0.00001; gnomAD exomes 0.00001; TOPMed 0.00001; gnomAD 0.00003; 1000 Genomes Project 30x 0.00016; 1000 Genomes Project 0.00020.
gnomAD v4.1: 15 of 1,614,202 alleles (0.00093%); highest among the groups gnomAD compares: South Asian, 0.0033%; no homozygotes.

Submission:

Labcorp Genetics (formerly Invitae), Labcorp
Classification: Pathogenic for Methylcobalamin deficiency type cblG. Last evaluated: 2023-12-09. Review status: criteria provided, single submitter. Criteria: Invitae Variant Classification Sherloc (09022015). Collection method: clinical testing. Allele origin: germline.
Comment: This sequence change creates a premature translational stop signal (p.Arg991*) in the MTR gene. It is expected to result in an absent or disrupted protein product. Loss-of-function variants in MTR are known to be pathogenic (PMID: 9683607, 12068375). This variant is present in population databases (rs536238004, gnomAD 0.003%). This variant has not been reported in the literature in individuals affected with MTR-related conditions. ClinVar contains an entry for this variant (Variation ID: 632103). Algorithms developed to predict the effect of sequence changes on RNA splicing suggest that this variant may disrupt the consensus splice site. For these reasons, this variant has been classified as Pathogenic.

Literature cited by the submitters: PubMed 9683607; PubMed 12068375.